The following is an entry in ClinVar:

NM_000284.4(PDHA1):c.379C>T (p.Arg127Trp)

Gene: PDHA1 (pyruvate dehydrogenase E1 subunit alpha 1; plus strand). Cytogenetic location: Xp22.12.
Variant type: single nucleotide variant.
Coding change: c.379C>T on transcript NM_000284.4 (MANE Select); coding-DNA position 379, C replaced by T.
Protein change: p.Arg127Trp; replaces arginine 127 with tryptophan.
Molecular consequence: missense variant.
Genome position (GRCh38, 1-based): chrX:19,351,368, C>T. VCF-style: chrX-19351368-C-T. GRCh37 (hg19) VCF-style: chrX-19369486-C-T.
Other names: c.493C>T, p.Arg165Trp (NM_001173454.2); c.400C>T, p.Arg134Trp (NM_001173455.2); c.379C>T, p.Arg127Trp (NM_001173456.2); c.493C>T (NM_001173454.1); short protein forms R127W, R134W, R165W.
Identifiers: ClinVar variation 214940 (VCV000214940.57), dbSNP rs199959402, ClinGen allele CA321249.

ClinVar aggregate classification (germline): Pathogenic/Likely pathogenic. Review status: criteria provided, multiple submitters, no conflicts (2 of 4 stars). 9 submissions from 9 submitters: Pathogenic (6); Likely pathogenic (1). 2 of the submissions do not count toward it. Last evaluated 2025-11-03.

Conditions:
PDHA1-related disorder. Also called: PDHA1-related condition.
Pyruvate dehydrogenase E1-alpha deficiency (PDHAD). Also called: ATAXIA, INTERMITTENT, WITH PYRUVATE DEHYDROGENASE DEFICIENCY; ATAXIA WITH LACTIC ACIDOSIS I; ATAXIA, INTERMITTENT, WITH ABNORMAL PYRUVATE METABOLISM; Ataxia, intermittent, with pyruvate dehydrogenase, or decarboxylase, deficiency. Identifiers: Orphanet 79243, MedGen C1839413, MONDO:0010717, OMIM 312170.

Allele frequency attached by ClinVar (database versions not stated): gnomAD 0.00001; 1000 Genomes Project 30x 0.00021; 1000 Genomes Project 0.00026.

Submissions (9):

Labcorp Genetics (formerly Invitae), Labcorp
Classification: Pathogenic for Pyruvate dehydrogenase E1-alpha deficiency. Last evaluated: 2025-11-03. Review status: criteria provided, single submitter. Criteria: Invitae Variant Classification Sherloc (09022015). Collection method: clinical testing. Allele origin: germline.
Comment: This sequence change replaces arginine, which is basic and polar, with tryptophan, which is neutral and slightly polar, at codon 127 of the PDHA1 protein (p.Arg127Trp). This variant is not present in population databases (gnomAD no frequency). This missense change has been observed in individual(s) with clinical features of pyruvate dehydrogenase lipoic acid synthetase deficiency (PMID: 8024267, 10679936, 21914562, 25356417, 32005694). In at least one individual the variant was observed to be de novo. It has also been observed to segregate with disease in related individuals. This variant is also known as p.Arg98Trp. ClinVar contains an entry for this variant (Variation ID: 214940). Invitae Evidence Modeling of protein sequence and biophysical properties (such as structural, functional, and spatial information, amino acid conservation, physicochemical variation, residue mobility, and thermodynamic stability) indicates that this missense variant is expected to disrupt PDHA1 protein function with a positive predictive value of 95%. This variant disrupts the p.Arg127 amino acid residue in PDHA1. Other variant(s) that disrupt this residue have been determined to be pathogenic (PMID: 21914562). This suggests that this residue is clinically significant, and that variants that disrupt this residue are likely to be disease-causing. For these reasons, this variant has been classified as Pathogenic.

Blueprint Genetics
Classification: Pathogenic for PDHA1-related disorders. Last evaluated: 2023-12-13. Review status: criteria provided, single submitter. Criteria: ACMG Guidelines, 2015. Collection method: clinical testing. Allele origin: germline. Affected: yes. Observed: 1 variant allele.

3billion
Classification: Pathogenic for Pyruvate dehydrogenase E1-alpha deficiency. Last evaluated: 2023-02-23. Review status: criteria provided, single submitter. Criteria: ACMG Guidelines, 2015. Collection method: clinical testing. Allele origin: unknown. Affected: yes.
Comment: The variant is not observed in the gnomAD v2.1.1 dataset. Functional studies provide moderate evidence of the variant having a damaging effect on the gene or gene product (PMID: 8024267). In silico tool predictions suggest damaging effect of the variant on gene or gene product (REVEL: 0.88; 3Cnet: 0.89). Same nucleotide change resulting in same amino acid change (ClinVar ID: VCV000214940) and a different missense change at the same codon (p.Arg127Gln / ClinVar ID: VCV000871395) have been previously reported as pathogenic/likely pathogenic with strong evidence. Therefore, this variant is classified as Pathogenic according to the recommendation of ACMG/AMP guideline.

Illumina Laboratory Services, Illumina
Classification: Likely pathogenic for Pyruvate dehydrogenase E1-alpha deficiency. Last evaluated: 2022-05-06. Review status: criteria provided, single submitter. Criteria: ICSLVariantClassificationCriteria RUGD 01 April 2020. Collection method: clinical testing. Allele origin: unknown.
Comment: The PDHA1 c.379C>T (p.Arg127Trp) missense variant results in the substitution of arginine at amino acid position 127 with tryptophan. This variant has been reported in five studies in a total of six affected probands, including in four affected females in a heterozygous state (Fujii et al. 1994, Lissens et al. 2000; Willemsen et al. 2006, Imbard et al. 2011; Dong et al. 2020). Of these, three cases were confirmed to have a pyruvate dehydrogenase complex deficiency and a phenotype consistent with disease (Fujii et al. 1994, Willemsen et al. 2006, Imbard et al. 2011). Segregation was reported in one family comprising of a mother with a milder phenotype of intellectual disability, truncal ataxia, and dysarthria and two sons with a severe metabolic acidosis, both of which died in infancy. Methylation studies demonstrated skewed X-inactivation in the mother's fibroblast cells (Fujii et al. 1994). This variant is reported in the Genome Aggregation Database in one allele in a female individual at a frequency of 0.000032 in the African/African American population (version 3.1.2). Multiple lines of computational evidence suggest the variant may have a deleterious effect on the gene or gene product. Based on the available evidence, the c.379C>T (p.Arg127Trp) variant is classified as likely pathogenic for primary pyruvate dehydrogenase complex deficiency.

Kasturba Medical College, Manipal, Kasturba Medical College, Manipal, Manipal Academy of Higher Education, Manipal, India
Classification: Pathogenic for Pyruvate dehydrogenase E1-alpha deficiency. Last evaluated: 2021-03-19. Review status: criteria provided, single submitter. Criteria: ACMG Guidelines, 2015. Collection method: clinical testing. Allele origin: de novo. Inheritance: X-linked dominant inheritance. Affected: yes. Observed: 1 heterozygote.

CeGaT Center for Human Genetics Tuebingen
Classification: Pathogenic. Last evaluated: 2020-01-01. Review status: criteria provided, single submitter. Criteria: CeGaT Center For Human Genetics Tuebingen Variant Classification Criteria Version 2. Collection method: clinical testing. Allele origin: germline. Affected: yes. Observed: 1 variant allele.

Institute of Human Genetics, University Hospital of Duesseldorf
Classification: Pathogenic for Pyruvate dehydrogenase E1-alpha deficiency. Review status: criteria provided, single submitter. Criteria: ACMG Guidelines, 2015. Collection method: not provided. Allele origin: germline. Inheritance: X-linked dominant inheritance. Affected: yes.

PDHA1 Study Group, University Children’s Hospital, Paracelsus Medical University
Classification: Likely pathogenic for Pyruvate dehydrogenase E1-alpha deficiency. Last evaluated: 2024-10-15. Review status: no assertion criteria provided. Collection method: research. Allele origin: de novo. Affected: yes. Observed: 17 variant alleles. Not counted in ClinVar's aggregate classification.
Comment: The NM_000284.3:c.379C>T (p.Arg127Trp) substitution is a missense variant in the PDHA1 gene. This variant is absent or extremely rare in population-based cohorts in the Genome Aggregation Database (gnomAD). In total, 17 individuals diagnosed with PDHA1-related pyruvate dehydrogenase complex (PDHc) deficiency (MIM #312170) harbor this variant, including 9 males and 8 females. Among these, 5 cases have confirmed de novo occurrence, and 2 are confirmed inherited. The variant is reported in 6 published cases (PMIDs: 10679936, 16713755, 21914562), with an additional 11 unpublished cases from internal data. The last literature search is conducted on July 12, 2024. Individuals present with clinical features consistent with PDHA1-related PDHc deficiency. Based on the ACMG/AMP criteria applied (PM1, PM2, PM7, PP3), this variant is classified as likely pathogenic (LP) (last assessment October 15, 2024).

Center of Excellence for Medical Genomics, Chulalongkorn University
Classification: Pathogenic for Pyruvate dehydrogenase E1-alpha deficiency. Last evaluated: 2002-09-08. Review status: no assertion criteria provided. Collection method: research. Allele origin: de novo. Affected: yes. Not counted in ClinVar's aggregate classification.

Literature cited by the submitters: PubMed 8024267 (cited by 4 submitters); PubMed 10679936 (cited by 3 submitters); PubMed 21914562 (cited by 3 submitters); PubMed 25356417 (cited by Labcorp Genetics (formerly Invitae), Labcorp); PubMed 32005694 (cited by Labcorp Genetics (formerly Invitae), Labcorp and Illumina Laboratory Services, Illumina); PubMed 16713755 (cited by Illumina Laboratory Services, Illumina and PDHA1 Study Group, University Children’s Hospital, Paracelsus Medical University); DOI 10.1093/brain/awaf430 (cited by PDHA1 Study Group, University Children’s Hospital, Paracelsus Medical University).